The following is an entry in ClinVar:

ClinVar aggregate classification (germline): Uncertain significance. Review status: criteria provided, multiple submitters, no conflicts (2 of 4 stars). 4 submissions from 4 submitters: Uncertain significance (4). Last evaluated 2026-11-12.

Conditions:
Cardiovascular phenotype. Identifiers: MedGen CN230736.
Hypertrophic cardiomyopathy. Also called: HYPERTROPHIC MYOCARDIOPATHY. Identifiers: Orphanet 217569, MedGen C0007194, MeSH D002312, MONDO:0005045, HP:0001639.

Allele frequency attached by ClinVar (database versions not stated): gnomAD exomes below 0.00001.
gnomAD v4.1: 4 of 1,614,140 alleles (0.00025%); highest among the groups gnomAD compares: South Asian, 0.0011%; no homozygotes.

Submissions (4):

Clinical Genetics Laboratory, Skane University Hospital Lund
Classification: Uncertain significance for Hypertrophic cardiomyopathy. Last evaluated: 2026-11-12. Review status: criteria provided, single submitter. Criteria: ACMG Guidelines, 2015. Collection method: clinical testing. Allele origin: germline. Affected: yes. Observed: 1 variant allele.
Comment: ACMG criteria used: PM2, PP3

Women's Health and Genetics/Laboratory Corporation of America, LabCorp
Classification: Uncertain significance. Last evaluated: 2026-02-16. Review status: criteria provided, single submitter. Criteria: LabCorp Variant Classification Summary - May 2015. Collection method: clinical testing. Allele origin: germline.
Comment: Variant summary: MYL3 c.242G>A (p.Arg81Gln) results in a conservative amino acid change in the encoded protein sequence. Algorithms developed to predict the effect of missense changes on protein structure and function are either unavailable or do not agree on the potential impact of this missense change. The variant was absent in 251442 control chromosomes. The available data on variant occurrences in the general population are insufficient to allow any conclusion about variant significance. c.242G>A has been reported in an individual affected with Hypertrophic Cardiomyopathy (Fokstuen_2011). This report does not provide unequivocal conclusions about association of the variant with Hypertrophic Cardiomyopathy. To our knowledge, no experimental evidence demonstrating an impact on protein function has been reported. The following publication has been ascertained in the context of this evaluation (PMID: 21239446). ClinVar contains an entry for this variant (Variation ID: 3230922). Based on the evidence outlined above, the variant was classified as uncertain significance.

All of Us Research Program, National Institutes of Health
Classification: Uncertain significance for Hypertrophic cardiomyopathy. Last evaluated: 2024-03-24. Review status: criteria provided, single submitter. Criteria: ACMG Guidelines, 2015. Collection method: clinical testing. Allele origin: germline. Inheritance: Autosomal dominant inheritance. Observed: 1 variant allele, 1 heterozygote.
Comment: This missense variant replaces arginine with glutamine at codon 81 of the MYL3 protein. Computational prediction suggests that this variant may have deleterious impact on protein structure and function (internally defined REVEL score threshold >= 0.7, PMID: 27666373). To our knowledge, functional studies have not been reported for this variant. This variant has not been reported in individuals affected with MYL3-related disorders in the literature. This variant has not been identified in the general population by the Genome Aggregation Database (gnomAD). The available evidence is insufficient to determine the role of this variant in disease conclusively. Therefore, this variant is classified as a Variant of Uncertain Significance.

This study involves interpretation of variants in research participants for the purpose of population health screening. Participant phenotype was not available at the time of variant classification. Additional details can be found in publication PMID: 35346344, PMCID: PMC8962531

Ambry Genetics
Classification: Uncertain significance for Cardiovascular phenotype. Last evaluated: 2023-11-23. Review status: criteria provided, single submitter. Criteria: Ambry Variant Classification Scheme 2023. Collection method: clinical testing. Allele origin: germline.
Comment: The p.R81Q variant (also known as c.242G>A), located in coding exon 3 of the MYL3 gene, results from a G to A substitution at nucleotide position 242. The arginine at codon 81 is replaced by glutamine, an amino acid with highly similar properties. This amino acid position is conserved. In addition, this alteration is predicted to be deleterious by in silico analysis. Since supporting evidence is limited at this time, the clinical significance of this alteration remains unclear.

Literature cited by the submitters: PubMed 21239446 (cited by Women's Health and Genetics/Laboratory Corporation of America, LabCorp).

NM_000258.3(MYL3):c.242G>A (p.Arg81Gln)

Gene: MYL3 (myosin light chain 3; minus strand). Cytogenetic location: 3p21.31.
Variant type: single nucleotide variant.
Coding change: c.242G>A on transcript NM_000258.3 (MANE Select); coding-DNA position 242, G replaced by A.
Protein change: p.Arg81Gln; replaces arginine 81 with glutamine.
Molecular consequence: missense variant.
Genome position (GRCh38, 1-based): chr3:46,860,741, C>T on the plus strand (G>A on the coding strand, the complement: MYL3 is on the minus strand). VCF-style: chr3-46860741-C-T. GRCh37 (hg19) VCF-style: chr3-46902231-C-T.
Other names: c.242G>A, p.Arg81Gln (NM_001406937.1, NM_001406938.1, NM_001406939.1); c.68G>A, p.Arg23Gln (NM_001406940.1, NM_001406941.1); short protein forms R23Q, R81Q.
Identifiers: ClinVar variation 3230922 (VCV003230922.4), dbSNP rs2544967080, ClinGen allele CA352498183.